The following is an entry in ClinVar:

NM_000550.3(TYRP1):c.448A>G (p.Met150Val)

Gene: TYRP1 (tyrosinase related protein 1; plus strand). Cytogenetic location: 9p23.
Variant type: single nucleotide variant.
Coding change: c.448A>G on transcript NM_000550.3 (MANE Select); coding-DNA position 448, A replaced by G.
Protein change: p.Met150Val; replaces methionine 150 with valine.
Molecular consequence: missense variant.
Genome position (GRCh38, 1-based): chr9:12,695,577, A>G. VCF-style: chr9-12695577-A-G. GRCh37 (hg19) VCF-style: chr9-12695577-A-G.
Other names: short protein forms M150V.
Identifiers: ClinVar variation 1472889 (VCV001472889.8), dbSNP rs949770741, ClinGen allele CA189306203.

ClinVar aggregate classification (germline): Uncertain significance (1 of 4 stars; one submission).

Allele frequency attached by ClinVar (database versions not stated): gnomAD exomes below 0.00001.

Submission:

Labcorp Genetics (formerly Invitae), Labcorp
Classification: Uncertain significance. Last evaluated: 2023-08-04. Review status: criteria provided, single submitter. Criteria: Invitae Variant Classification Sherloc (09022015). Collection method: clinical testing. Allele origin: germline.
Comment: This sequence change replaces methionine, which is neutral and non-polar, with valine, which is neutral and non-polar, at codon 150 of the TYRP1 protein (p.Met150Val). In summary, the available evidence is currently insufficient to determine the role of this variant in disease. Therefore, it has been classified as a Variant of Uncertain Significance. Advanced modeling of protein sequence and biophysical properties (such as structural, functional, and spatial information, amino acid conservation, physicochemical variation, residue mobility, and thermodynamic stability) performed at Invitae indicates that this missense variant is not expected to disrupt TYRP1 protein function. ClinVar contains an entry for this variant (Variation ID: 1472889). This variant has not been reported in the literature in individuals affected with TYRP1-related conditions. This variant is not present in population databases (gnomAD no frequency).